The following is an entry in ClinVar:

NM_004086.3(COCH):c.217A>C (p.Ile73Leu)

Genes: COCH (cochlin; plus strand), COCH-AS1 (COCH antisense RNA 1; minus strand). Cytogenetic location: 14q12.
Variant type: single nucleotide variant.
Coding change: c.217A>C on transcript NM_004086.3 (MANE Select); coding-DNA position 217, A replaced by C.
Protein change: p.Ile73Leu; replaces isoleucine 73 with leucine.
Molecular consequence: missense variant.
Genome position (GRCh38, 1-based): chr14:30,877,706, A>C. VCF-style: chr14-30877706-A-C. GRCh37 (hg19) VCF-style: chr14-31346912-A-C.
Other names: c.217A>C, p.Ile73Leu (NM_001135058.2); c.412A>C, p.Ile138Leu (NM_001347720.2); short protein forms I138L, I73L.
Identifiers: ClinVar variation 4985553 (VCV004985553.1).

ClinVar aggregate classification (germline): Uncertain significance (1 of 4 stars; one submission).

Conditions:
COCH-related disorder. Also called: COCH-related condition.

gnomAD v4.1: 2 of 1,614,108 alleles (0.00012%); highest among the groups gnomAD compares: Admixed American, 0.0033%; no homozygotes.

Submission:

PreventionGenetics, part of Exact Sciences
Classification: Uncertain significance for COCH-related condition. Last evaluated: 2026-04-08. Review status: criteria provided, single submitter. Criteria: ACMG Guidelines, 2015. Collection method: clinical testing. Allele origin: germline.
Comment: The COCH c.217A>C variant is predicted to result in the amino acid substitution p.Ile73Leu. To our knowledge, this variant has not been reported in the literature or in a large population database (gnomAD), indicating this variant is rare. At this time, the clinical significance of this variant is uncertain due to the absence of conclusive functional and genetic evidence.